The following is an entry in ClinVar:

ClinVar aggregate classification (germline): Benign. Review status: criteria provided, single submitter (1 of 4 stars). 3 submissions from 3 submitters: Benign (1). 2 of the submissions do not count toward it. Last evaluated 2026-01-31.

Conditions:
MLC1-related disorder. Also called: MLC1-related condition.
Megalencephalic leukoencephalopathy with subcortical cysts. Also called: VAN DER KNAAP DISEASE. Identifiers: Orphanet 2478, MedGen C1858854, MONDO:0011391.

Allele frequency attached by ClinVar (database versions not stated): 1000 Genomes Project 0.00120; 1000 Genomes Project 30x 0.00141; gnomAD exomes 0.00024; ExAC 0.00028; gnomAD 0.00062 and 0.00063; TOPMed 0.00078; ESP Exome Variant Server 0.00092.
gnomAD v4.1: 262 of 1,612,994 alleles (0.016%); highest among the groups gnomAD compares: African/African-American, 0.25%; 1 homozygote.

Submissions (3):

Labcorp Genetics (formerly Invitae), Labcorp
Classification: Benign. Last evaluated: 2026-01-31. Review status: criteria provided, single submitter. Criteria: Invitae Variant Classification Sherloc (09022015). Collection method: clinical testing. Allele origin: germline.

PreventionGenetics, part of Exact Sciences
Classification: Likely benign for MLC1-related condition. Last evaluated: 2022-05-18. Review status: no assertion criteria provided. Collection method: clinical testing. Allele origin: germline. Not counted in ClinVar's aggregate classification.
Comment: This variant is classified as likely benign based on ACMG/AMP sequence variant interpretation guidelines (Richards et al. 2015 PMID: 25741868, with internal and published modifications).

Natera, Inc.
Classification: Benign for Megalencephalic leukoencephalopathy with subcortical cysts. Last evaluated: 2020-09-16. Review status: no assertion criteria provided. Collection method: clinical testing. Allele origin: germline. Not counted in ClinVar's aggregate classification.

NM_015166.4(MLC1):c.601G>A (p.Val201Ile)

Gene: MLC1 (modulator of VRAC current 1; minus strand). Cytogenetic location: 22q13.33.
Variant type: single nucleotide variant.
Coding change: c.601G>A on transcript NM_015166.4 (MANE Select); coding-DNA position 601, G replaced by A.
Protein change: p.Val201Ile; replaces valine 201 with isoleucine.
Molecular consequence: missense variant. On other transcripts: non-coding transcript variant (3).
Genome position (GRCh38, 1-based): chr22:50,074,329, C>T on the plus strand (G>A on the coding strand, the complement: MLC1 is on the minus strand). VCF-style: chr22-50074329-C-T. GRCh37 (hg19) VCF-style: chr22-50512758-C-T.
Other names: c.601G>A, p.Val201Ile (NM_001376472.1, NM_001376473.1, NM_001376474.1 and 6 more transcripts); c.511G>A, p.Val171Ile (NM_001376480.1); c.499G>A, p.Val167Ile (NM_001376481.1); c.445G>A, p.Val149Ile (NM_001376482.1, NM_001376483.1); c.364G>A, p.Val122Ile (NM_001376484.1); short protein forms V149I, V171I, V201I, V122I, V167I.
Identifiers: ClinVar variation 729003 (VCV000729003.14), dbSNP rs147572634, ClinGen allele CA10303437.
Genomic context (GRCh38, chr22:50,074,329, plus strand): 5'-CATCCACGTTCAGGGCAATGATCCCCCCGAGGACGGCAGAGATGCCTGCGATTACCTCGA[C>T]GACCTGGAGGGGACAGGACAGCATCGGCTCATAAGGAAGTGGAGACACCCCCAGATTCCC-3'
Protein context (NP_055981.1, residues 191-211): PARVLKSYSV[Val201Ile]EVIAGISAVL